The following is an entry in ClinVar:

NM_022081.6(HPS4):c.851A>G (p.His284Arg)

Gene: HPS4 (HPS4 biogenesis of lysosomal organelles complex 3 subunit 2; minus strand). Cytogenetic location: 22q12.1.
Variant type: single nucleotide variant.
Coding change: c.851A>G on transcript NM_022081.6 (MANE Select); coding-DNA position 851, A replaced by G.
Protein change: p.His284Arg; replaces histidine 284 with arginine.
Molecular consequence: missense variant. On other transcripts: non-coding transcript variant (8).
Genome position (GRCh38, 1-based): chr22:26,464,779, T>C on the plus strand (A>G on the coding strand, the complement: HPS4 is on the minus strand). VCF-style: chr22-26464779-T-C. GRCh37 (hg19) VCF-style: chr22-26860745-T-C.
Other names: c.851A>G, p.His284Arg (NM_001349896.1, NM_001349898.2, NM_001349899.2 and 5 more transcripts); c.905A>G, p.His302Arg (NM_001349900.2, NM_001349901.1); c.836A>G, p.His279Arg (NM_152841.2); short protein forms H279R, H284R, H302R.
Identifiers: ClinVar variation 2637831 (VCV002637831.3), dbSNP rs780700906, ClinGen allele CA10163459.

ClinVar aggregate classification (germline): Uncertain significance. Review status: criteria provided, multiple submitters, no conflicts (2 of 4 stars). 2 submissions from 2 submitters: Uncertain significance (2). Last evaluated 2024-10-15.

Allele frequency attached by ClinVar (database versions not stated): gnomAD 0.00001; gnomAD exomes 0.00001; TOPMed 0.00001; ExAC 0.00002.
gnomAD v4.1: 14 of 1,586,460 alleles (0.00088%); highest among the groups gnomAD compares: Admixed American, 0.0053%; no homozygotes.

Submissions (2):

Labcorp Genetics (formerly Invitae), Labcorp
Classification: Uncertain significance. Last evaluated: 2024-10-15. Review status: criteria provided, single submitter. Criteria: Invitae Variant Classification Sherloc (09022015). Collection method: clinical testing. Allele origin: germline.
Comment: This sequence change replaces histidine, which is basic and polar, with arginine, which is basic and polar, at codon 284 of the HPS4 protein (p.His284Arg). This variant is present in population databases (rs780700906, gnomAD 0.007%). This variant has not been reported in the literature in individuals affected with HPS4-related conditions. ClinVar contains an entry for this variant (Variation ID: 2637831). An algorithm developed to predict the effect of missense changes on protein structure and function (PolyPhen-2) suggests that this variant is likely to be tolerated. In summary, the available evidence is currently insufficient to determine the role of this variant in disease. Therefore, it has been classified as a Variant of Uncertain Significance.

Women's Health and Genetics/Laboratory Corporation of America, LabCorp
Classification: Uncertain significance. Last evaluated: 2023-10-19. Review status: criteria provided, single submitter. Criteria: LabCorp Variant Classification Summary - May 2015. Collection method: clinical testing. Allele origin: germline.
Comment: Variant summary: HPS4 c.851A>G (p.His284Arg) results in a non-conservative amino acid change in the encoded protein sequence. Four of five in-silico tools predict a benign effect of the variant on protein function. The variant allele was found at a frequency of 1.3e-05 in 226082 control chromosomes. The available data on variant occurrences in the general population are insufficient to allow any conclusion about variant significance. To our knowledge, no occurrence of c.851A>G in individuals affected with Hermansky-Pudlak Syndrome and no experimental evidence demonstrating its impact on protein function have been reported. No submitters have cited clinical-significance assessments for this variant to ClinVar after 2014. Based on the evidence outlined above, the variant was classified as uncertain significance.